The following is an entry in ClinVar:

ClinVar aggregate classification (germline): Uncertain significance. Review status: criteria provided, multiple submitters, no conflicts (2 of 4 stars). 2 submissions from 2 submitters: Uncertain significance (2). Last evaluated 2024-12-23.

Conditions:
PROK2-related disorder. Also called: PROK2-related condition.
Inborn genetic diseases. Identifiers: MedGen C0950123, MeSH D030342.

Allele frequency attached by ClinVar (database versions not stated): ExAC 0.00001; gnomAD 0.00001; ESP Exome Variant Server 0.00008.
gnomAD v4.1: 19 of 1,613,930 alleles (0.0012%); highest among the groups gnomAD compares: East Asian, 0.0045%; no homozygotes.

Submissions (2):

PreventionGenetics, part of Exact Sciences
Classification: Uncertain significance for PROK2-related condition. Last evaluated: 2024-12-23. Review status: criteria provided, single submitter. Criteria: ACMG Guidelines, 2015. Collection method: clinical testing. Allele origin: germline.
Comment: The PROK2 c.365G>A variant is predicted to result in the amino acid substitution p.Arg122Gln. To our knowledge, this variant has not been reported in the literature. This variant is reported in 0.0062% of alleles in individuals of African descent in gnomAD. At this time, the clinical significance of this variant is uncertain due to the absence of conclusive functional and genetic evidence.

Ambry Genetics
Classification: Uncertain significance for Inborn genetic diseases. Last evaluated: 2023-12-15. Review status: criteria provided, single submitter. Criteria: Ambry Variant Classification Scheme 2023. Collection method: clinical testing. Allele origin: germline.

NM_001126128.2(PROK2):c.365G>A (p.Arg122Gln)

Gene: PROK2 (prokineticin 2; minus strand). Cytogenetic location: 3p13.
Variant type: single nucleotide variant.
Coding change: c.365G>A on transcript NM_001126128.2 (MANE Select); coding-DNA position 365, G replaced by A.
Protein change: p.Arg122Gln; replaces arginine 122 with glutamine.
Molecular consequence: missense variant.
Genome position (GRCh38, 1-based): chr3:71,772,749, C>T on the plus strand (G>A on the coding strand, the complement: PROK2 is on the minus strand). VCF-style: chr3-71772749-C-T. GRCh37 (hg19) VCF-style: chr3-71821900-C-T.
Other names: c.302G>A, p.Arg101Gln (NM_021935.4); short protein forms R101Q, R122Q.
Identifiers: ClinVar variation 2634865 (VCV002634865.3), dbSNP rs371819884, ClinGen allele CA2491950.